The following is an entry in ClinVar:

ClinVar aggregate classification (germline): Benign/Likely benign. Review status: criteria provided, multiple submitters, no conflicts (2 of 4 stars). 4 submissions from 4 submitters: Benign (2); Likely benign (2). Last evaluated 2026-01-27.

Conditions:
Encephalopathy-hypertrophic cardiomyopathy-renal tubular disease syndrome. Identifiers: Orphanet 319678, MedGen C3553374, MONDO:0013840, OMIM 614654.

Allele frequency attached by ClinVar (database versions not stated): 1000 Genomes Project 0.00120; gnomAD 0.00308 and 0.00309; TOPMed 0.00309; ESP Exome Variant Server 0.00377.
gnomAD v4.1: 7,948 of 1,614,078 alleles (0.49%); highest among the groups gnomAD compares: Non-Finnish European, 0.61%; 35 homozygotes.

Submissions (4):

Labcorp Genetics (formerly Invitae), Labcorp
Classification: Benign. Last evaluated: 2026-01-27. Review status: criteria provided, single submitter. Criteria: Invitae Variant Classification Sherloc (09022015). Collection method: clinical testing. Allele origin: germline.

Blueprint Genetics
Classification: Likely benign. Last evaluated: 2024-11-07. Review status: criteria provided, single submitter. Criteria: ACMG Guidelines, 2015. Collection method: clinical testing. Allele origin: germline.

Fulgent Genetics
Classification: Likely benign for Encephalopathy-hypertrophic cardiomyopathy-renal tubular disease syndrome. Last evaluated: 2021-07-19. Review status: criteria provided, single submitter. Criteria: ACMG Guidelines, 2015. Collection method: clinical testing. Allele origin: unknown.

GeneDx
Classification: Benign. Last evaluated: 2013-01-28. Review status: criteria provided, single submitter. Criteria: GeneDx Variant Classification (06012015). Collection method: clinical testing. Allele origin: germline. Affected: yes.
Comment: This variant is considered likely benign or benign based on one or more of the following criteria: it is a conservative change, it occurs at a poorly conserved position in the protein, it is predicted to be benign by multiple in silico algorithms, and/or has population frequency not consistent with disease.

NM_020312.4(COQ9):c.379-16G>C

Gene: COQ9 (coenzyme Q9; plus strand). Cytogenetic location: 16q21.
Variant type: single nucleotide variant.
Coding change: c.379-16G>C on transcript NM_020312.4 (MANE Select); 16 bases into the intron before coding-DNA position 379, G replaced by C.
Molecular consequence: intron variant.
Genome position (GRCh38, 1-based): chr16:57,456,488, G>C. VCF-style: chr16-57456488-G-C. GRCh37 (hg19) VCF-style: chr16-57490400-G-C.
Identifiers: ClinVar variation 136994 (VCV000136994.10), dbSNP rs62037144, ClinGen allele CA290454.